The following is an entry in ClinVar:

NM_000136.3(FANCC):c.251-2A>T

Gene: FANCC (FA complementation group C; minus strand). Cytogenetic location: 9q22.32.
Variant type: single nucleotide variant.
Coding change: c.251-2A>T on transcript NM_000136.3 (MANE Select); the canonical splice acceptor site of the intron before coding-DNA position 251, A replaced by T.
Molecular consequence: splice acceptor variant.
Genome position (GRCh38, 1-based): chr9:95,240,745, T>A on the plus strand (A>T on the coding strand, the complement: FANCC is on the minus strand). VCF-style: chr9-95240745-T-A. GRCh37 (hg19) VCF-style: chr9-98003027-T-A.
Other names: c.251-2A>T (NM_001243743.2, NM_001243744.2).
Identifiers: ClinVar variation 2790651 (VCV002790651.3), dbSNP rs1057517219, ClinGen allele CA374339535.

ClinVar aggregate classification (germline): Pathogenic (1 of 4 stars; one submission).

Conditions:
Fanconi anemia (FA). Also called: Fanconi's anemia. Identifiers: Orphanet 84, MedGen C0015625, MeSH D005199, MONDO:0019391.

Allele frequency attached by ClinVar (database versions not stated): gnomAD 0.00001.
gnomAD v4.1: 1 of 1,556,722 alleles (0.000064%); highest among the groups gnomAD compares: Non-Finnish European, 0.000089%; no homozygotes.

Submission:

Labcorp Genetics (formerly Invitae), Labcorp
Classification: Pathogenic for Fanconi anemia. Last evaluated: 2026-01-20. Review status: criteria provided, single submitter. Criteria: Invitae Variant Classification Sherloc (09022015). Collection method: clinical testing. Allele origin: germline.
Comment: This sequence change affects an acceptor splice site in intron 3 of the FANCC gene. It is expected to disrupt RNA splicing. Variants that disrupt the donor or acceptor splice site typically lead to a loss of protein function (PMID: 16199547), and loss-of-function variants in FANCC are known to be pathogenic (PMID: 17924555). This variant is not present in population databases (gnomAD no frequency). Disruption of this splice site has been observed in individual(s) with clinical features of Fanconi anemia (internal data). In at least one individual the data is consistent with being in trans (on the opposite chromosome) from a pathogenic variant. ClinVar contains an entry for this variant (Variation ID: 2790651). Algorithms developed to predict the effect of sequence changes on RNA splicing suggest that this variant may disrupt the consensus splice site. For these reasons, this variant has been classified as Pathogenic.

Literature cited by the submitters: PubMed 16199547; PubMed 17924555.